The following is an entry in ClinVar:

ClinVar aggregate classification (germline): Uncertain significance (1 of 4 stars; one submission).

Allele frequency attached by ClinVar (database versions not stated): gnomAD 0.00001.
gnomAD v4.1: 13 of 1,613,270 alleles (0.00081%); highest among the groups gnomAD compares: Non-Finnish European, 0.0011%; no homozygotes.

Submission:

Labcorp Genetics (formerly Invitae), Labcorp
Classification: Uncertain significance. Last evaluated: 2021-09-26. Review status: criteria provided, single submitter. Criteria: Invitae Variant Classification Sherloc (09022015). Collection method: clinical testing. Allele origin: germline.
Comment: This sequence change replaces threonine with isoleucine at codon 823 of the AHR protein (p.Thr823Ile). The threonine residue is moderately conserved and there is a moderate physicochemical difference between threonine and isoleucine. This variant is present in population databases (rs778254522, ExAC 0.007%). This variant has not been reported in the literature in individuals affected with AHR-related conditions. Algorithms developed to predict the effect of missense changes on protein structure and function (SIFT, PolyPhen-2, Align-GVGD) all suggest that this variant is likely to be tolerated. In summary, the available evidence is currently insufficient to determine the role of this variant in disease. Therefore, it has been classified as a Variant of Uncertain Significance.

NM_001621.5(AHR):c.2468C>T (p.Thr823Ile)

Gene: AHR (aryl hydrocarbon receptor; plus strand). Cytogenetic location: 7p21.1.
Variant type: single nucleotide variant.
Coding change: c.2468C>T on transcript NM_001621.5 (MANE Select); coding-DNA position 2468, C replaced by T.
Protein change: p.Thr823Ile; replaces threonine 823 with isoleucine.
Molecular consequence: missense variant.
Genome position (GRCh38, 1-based): chr7:17,342,985, C>T. VCF-style: chr7-17342985-C-T. GRCh37 (hg19) VCF-style: chr7-17382609-C-T.
Other names: short protein forms T823I.
Identifiers: ClinVar variation 1383350 (VCV001383350.3), dbSNP rs778254522, ClinGen allele CA4172316.